The following is an entry in ClinVar:

NM_019112.4(ABCA7):c.4927G>A (p.Val1643Met)

Gene: ABCA7 (ATP binding cassette subfamily A member 7; plus strand). Cytogenetic location: 19p13.3.
Variant type: single nucleotide variant.
Coding change: c.4927G>A on transcript NM_019112.4 (MANE Select); coding-DNA position 4927, G replaced by A.
Protein change: p.Val1643Met; replaces valine 1643 with methionine.
Molecular consequence: missense variant.
Genome position (GRCh38, 1-based): chr19:1,057,961, G>A. VCF-style: chr19-1057961-G-A. GRCh37 (hg19) VCF-style: chr19-1057960-G-A.
Other names: short protein forms V1643M.
Identifiers: ClinVar variation 3036496 (VCV003036496.2), dbSNP rs141237099, ClinGen allele CA9034661.

ClinVar aggregate classification (germline): Likely benign (0 of 4 stars; one submission).

Conditions:
ABCA7-related disorder. Also called: ABCA7-related condition.

Allele frequency attached by ClinVar (database versions not stated): gnomAD exomes 0.00007; ExAC 0.00020; ESP Exome Variant Server 0.00031; gnomAD 0.00044; TOPMed 0.00055; 1000 Genomes Project 30x 0.00062; 1000 Genomes Project 0.00080.
gnomAD v4.1: 183 of 1,613,918 alleles (0.011%); highest among the groups gnomAD compares: African/African-American, 0.12%; no homozygotes.

Submission:

PreventionGenetics, part of Exact Sciences
Classification: Likely benign for ABCA7-related condition. Last evaluated: 2022-02-18. Review status: no assertion criteria provided. Collection method: clinical testing. Allele origin: germline.
Comment: This variant is classified as likely benign based on ACMG/AMP sequence variant interpretation guidelines (Richards et al. 2015 PMID: 25741868, with internal and published modifications).